The following is an entry in ClinVar:

NM_005633.4(SOS1):c.*1552T>A

Gene: SOS1 (SOS Ras/Rac guanine nucleotide exchange factor 1; minus strand). Cytogenetic location: 2p22.1.
Variant type: single nucleotide variant.
Coding change: c.*1552T>A on transcript NM_005633.4 (MANE Select); 1552 bases downstream of the stop codon, T replaced by A.
Molecular consequence: 3 prime UTR variant.
Genome position (GRCh38, 1-based): chr2:38,984,272, A>T on the plus strand (T>A on the coding strand, the complement: SOS1 is on the minus strand). VCF-style: chr2-38984272-A-T. GRCh37 (hg19) VCF-style: chr2-39211413-A-T.
Other names: c.*1552T>A (NM_001382394.1, NM_001382395.1).
Identifiers: ClinVar variation 335993 (VCV000335993.5), dbSNP rs139679723, ClinGen allele CA10615408.

ClinVar aggregate classification (germline): Benign/Likely benign. Review status: criteria provided, single submitter (1 of 4 stars). 2 submissions from 1 submitter: Benign (1); Likely benign (1). Last evaluated 2018-01-13.

Conditions:
Noonan syndrome 4 (NS4). Also called: SOS1-Related Noonan Syndrome; NOONAN SYNDROME WITH PIGMENTED VILLONODULAR SYNOVITIS. Identifiers: Orphanet 648, MedGen C1853120, MONDO:0012547, OMIM 610733.
Fibromatosis, gingival, 1 (GINGF1). Identifiers: Orphanet 2024, MedGen C4551558, MONDO:0007609, OMIM 135300.

Allele frequency attached by ClinVar (database versions not stated): TOPMed 0.00015; gnomAD 0.00021; 1000 Genomes Project 30x 0.00031; 1000 Genomes Project 0.00060.
gnomAD v4.1: 32 of 152,264 alleles (0.021%); highest among the groups gnomAD compares: East Asian, 0.19%; no homozygotes.

Submissions (2):

Illumina Laboratory Services, Illumina
Classification: Benign for Fibromatosis, gingival, 1. Last evaluated: 2018-01-13. Review status: criteria provided, single submitter. Criteria: ICSL Variant Classification Criteria 13 December 2019. Collection method: clinical testing. Allele origin: germline.
Comment: This variant was observed in the ICSL laboratory as part of a predisposition screen in an ostensibly healthy population. It had not been previously curated by ICSL or reported in the Human Gene Mutation Database (HGMD: prior to June 1st, 2018), and was therefore a candidate for classification through an automated scoring system. Utilizing variant allele frequency, disease prevalence and penetrance estimates, and inheritance mode, an automated score was calculated to assess if this variant is too frequent to cause the disease. Based on the score and internal cut-off values, a variant classified as benign is not then subjected to further curation. The score for this variant resulted in a classification of benign for this disease.

Illumina Laboratory Services, Illumina
Classification: Likely benign for Noonan syndrome 4. Last evaluated: 2018-01-13. Review status: criteria provided, single submitter. Criteria: ICSL Variant Classification Criteria 13 December 2019. Collection method: clinical testing. Allele origin: germline.
Comment: This variant was observed in the ICSL laboratory as part of a predisposition screen in an ostensibly healthy population. It had not been previously curated by ICSL or reported in the Human Gene Mutation Database (HGMD: prior to June 1st, 2018), and was therefore a candidate for classification through an automated scoring system. Utilizing variant allele frequency, disease prevalence and penetrance estimates, and inheritance mode, an automated score was calculated to assess if this variant is too frequent to cause the disease. Based on the score and internal cut-off values, a variant classified as likely benign is not then subjected to further curation. The score for this variant resulted in a classification of likely benign for this disease.